The following is an entry in ClinVar:

ClinVar aggregate classification (germline): Likely pathogenic (1 of 4 stars; one submission).

Conditions:
Usher syndrome type 2A. Also called: RETINAL DISEASE IN USHER SYNDROME TYPE IIA, MODIFIER OF; USHER SYNDROME, TYPE IIA. Identifiers: Orphanet 231178, Orphanet 886, MedGen C1848634, MONDO:0010169, OMIM 276901.

Submission:

Centre for Mendelian Genomics, University Medical Centre Ljubljana
Classification: Likely pathogenic for Usher syndrome type 2A. Last evaluated: 2019-08-19. Review status: criteria provided, single submitter. Criteria: ACMG Guidelines, 2015. Collection method: clinical testing. Allele origin: unknown. Affected: yes.
Comment: This variant was classified as: Likely pathogenic. The following ACMG criteria were applied in classifying this variant: PVS1,PM2.

NM_206933.4(USH2A):c.13599_13612del (p.Gly4534fs)

Gene: USH2A (usherin; minus strand). Cytogenetic location: 1q41.
Variant type: Deletion.
Coding change: c.13599_13612del on transcript NM_206933.4 (MANE Select); coding-DNA positions 13599 to 13612, 14 bases deleted (AGGGATGGAACCTC).
Protein change: p.Gly4534fs; shifts the reading frame from glycine 4534.
Molecular consequence: frameshift variant.
Genome position (GRCh38, 1-based): chr1:215,674,299-215,674,312, GAGGTTCCATCCCT deleted on the plus strand (AGGGATGGAACCTC on the coding strand, the reverse complement: USH2A is on the minus strand); deleting any 14 consecutive bases within chr1:215,674,299-215,674,316 gives the same sequence; the c. name uses the placement nearest the transcript's 3' end. VCF-style (leftmost placement, unchanged base first): chr1-215674298-GGAGGTTCCATCCCT-G. GRCh37 (hg19) VCF-style: chr1-215847640-GGAGGTTCCATCCCT-G.
Other names: short protein forms G4534fs.
Identifiers: ClinVar variation 930521 (VCV000930521.3), dbSNP rs1657920193, ClinGen allele CA1139656544.